The following is an entry in ClinVar:

NM_001039141.3(TRIOBP):c.3057G>A (p.Gly1019=)

Gene: TRIOBP (TRIO and F-actin binding protein; plus strand). Cytogenetic location: 22q13.1.
Variant type: single nucleotide variant.
Coding change: c.3057G>A on transcript NM_001039141.3 (MANE Select); coding-DNA position 3057, G replaced by A.
Protein change: p.Gly1019=; no amino-acid change (glycine 1019 retained).
Molecular consequence: synonymous variant.
Genome position (GRCh38, 1-based): chr22:37,725,613, G>A. VCF-style: chr22-37725613-G-A. GRCh37 (hg19) VCF-style: chr22-38121620-G-A.
Identifiers: ClinVar variation 2653119 (VCV002653119.25), dbSNP rs749971314, ClinGen allele CA10224013.

ClinVar aggregate classification (germline): Likely benign. Review status: criteria provided, multiple submitters, no conflicts (2 of 4 stars). 2 submissions from 2 submitters: Likely benign (2). Last evaluated 2025-06-01.

Allele frequency attached by ClinVar (database versions not stated): ExAC 0.00001; gnomAD 0.00001; TOPMed 0.00002.
gnomAD v4.1: 17 of 1,613,534 alleles (0.0011%); highest among the groups gnomAD compares: Middle Eastern, 0.049%; no homozygotes.

Submissions (2):

CeGaT Center for Human Genetics Tuebingen
Classification: Likely benign. Last evaluated: 2025-06-01. Review status: criteria provided, single submitter. Criteria: CeGaT Center For Human Genetics Tuebingen Variant Classification Criteria Version 2. Collection method: clinical testing. Allele origin: germline. Affected: yes. Observed: 3 variant alleles.
Comment: TRIOBP: BP4, BP7

Blueprint Genetics
Classification: Likely benign. Last evaluated: 2024-11-22. Review status: criteria provided, single submitter. Criteria: ACMG Guidelines, 2015. Collection method: clinical testing. Allele origin: germline.